The following is an entry in ClinVar:

ClinVar aggregate classification (germline): Conflicting classifications of pathogenicity. Review status: criteria provided, conflicting classifications (1 of 4 stars). 3 submissions from 3 submitters: Pathogenic (1); Likely pathogenic (1); Uncertain significance (1). Last evaluated 2025-08-29.

Conditions:
MYH3-related disorder. Also called: MYH3-related condition; MYH3-Related Disorders. Identifiers: MedGen CN239329.

Allele frequency attached by ClinVar (database versions not stated): TOPMed 0.00003.
gnomAD v4.1: 21 of 1,613,736 alleles (0.0013%); highest among the groups gnomAD compares: Admixed American, 0.023%; no homozygotes.

Submissions (3):

Labcorp Genetics (formerly Invitae), Labcorp
Classification: Pathogenic. Last evaluated: 2025-08-29. Review status: criteria provided, single submitter. Criteria: Invitae Variant Classification Sherloc (09022015). Collection method: clinical testing. Allele origin: germline.
Comment: This sequence change creates a premature translational stop signal (p.Gln1508*) in the MYH3 gene. It is expected to result in an absent or disrupted protein product. Loss-of-function variants in MYH3 are known to be pathogenic (PMID: 29805041, 30008475). This variant is present in population databases (rs779530750, gnomAD 0.04%). This variant has not been reported in the literature in individuals affected with MYH3-related conditions. ClinVar contains an entry for this variant (Variation ID: 1449343). For these reasons, this variant has been classified as Pathogenic.

Women's Health and Genetics/Laboratory Corporation of America, LabCorp
Classification: Likely pathogenic for MYH3-related disorder. Last evaluated: 2023-08-21. Review status: criteria provided, single submitter. Criteria: LabCorp Variant Classification Summary - May 2015. Collection method: clinical testing. Allele origin: germline.
Comment: Variant summary: MYH3 c.4522C>T (p.Gln1508X) results in a premature termination codon, predicted to cause a truncation of the encoded protein due to nonsense mediated decay, which is a commonly known mechanism for disease. At-least one variant immediately downstream of this position, namely c.4525G>T (p.Glu1509*) has been classified as pathogenic/likely pathogenic by two submitters in the ClinVar database. Loss of function variants in MYH3 gene have been reported in the literature in association with autosomal dominant Contractures, pterygia, and spondylocarpotarsal fusion syndrome, type 1 (CPSFS1) as well as apparently recessive inheritance of a similar phenotype (example, Cameron-Christie_2018 and Volk_unpublished abstract_EJHG_2018). Additionally, missense or in-frame deletions in MYH3 have been described in association with autosomal dominant distal arthrogryposis (DA1, DA2A, DA2B) phenotypes of MYH3-Related Disorders (Cameron-Christie_2018). One of these reports postulated a possible gain of function outcome for a putative canonical splice site variant in this gene although it was not substantiated by published experimental evidence (Volk_unpublished abstract_EJHG_2018). The variant allele was found at a frequency of 8.7e-05 in 251434 control chromosomes. In the absence of a clearly established threshold based on an established prevalence and/or inheritance pattern, this frequency does not allow conclusions about variant significance. To our knowledge, no occurrence of c.4522C>T in individuals affected with MYH3-Related Disorders and no experimental evidence demonstrating its impact on protein function have been reported. It has however been reported as being detected at a frequency of 1/13,678 in the gnomAD database that contradicts the ascertained frequency mentioned above (Cameron-Christie_2018). Two submitters have cited clinical-significance assessments for this variant to ClinVar after 2014. The following publication have been ascertained in the context of this evaluation (PMID: 29805041). One submitter classified the variant as pathogenic and one submitter classified the variant as uncertain significance both citing overlapping evidence utilized in the context of this evaluation. Based on the evidence outlined above, the variant was classified as likely pathogenic.

GeneDx
Classification: Uncertain significance. Last evaluated: 2022-04-10. Review status: criteria provided, single submitter. Criteria: GeneDx Variant Classification Process June 2021. Collection method: clinical testing. Allele origin: germline. Affected: yes.
Comment: Nonsense variant predicted to result in protein truncation or nonsense mediated decay in a gene for which loss-of-function is not a known mechanism of disease; This variant is associated with the following publications: (PMID: 27535533, 31491409, Kamien2022[Case Report])

Literature cited by the submitters: PubMed 29805041 (cited by Labcorp Genetics (formerly Invitae), Labcorp and Women's Health and Genetics/Laboratory Corporation of America, LabCorp); PubMed 30008475 (cited by Labcorp Genetics (formerly Invitae), Labcorp).

NM_002470.4(MYH3):c.4522C>T (p.Gln1508Ter)

Gene: MYH3 (myosin heavy chain 3; minus strand). Cytogenetic location: 17p13.1.
Variant type: single nucleotide variant.
Coding change: c.4522C>T on transcript NM_002470.4 (MANE Select); coding-DNA position 4522, C replaced by T.
Protein change: p.Gln1508Ter; replaces glutamine 1508 with a stop codon.
Molecular consequence: nonsense.
Genome position (GRCh38, 1-based): chr17:10,634,017, G>A on the plus strand (C>T on the coding strand, the complement: MYH3 is on the minus strand). VCF-style: chr17-10634017-G-A. GRCh37 (hg19) VCF-style: chr17-10537334-G-A.
Other names: short protein forms Q1508*.
Identifiers: ClinVar variation 1449343 (VCV001449343.8), dbSNP rs779530750, ClinGen allele CA8392213.